The following is an entry in ClinVar:

ClinVar aggregate classification (germline): Uncertain significance (1 of 4 stars; one submission).

gnomAD v4.1: 5 of 1,602,700 alleles (0.00031%); highest among the groups gnomAD compares: Non-Finnish European, 0.00043%; no homozygotes.

Submission:

CeGaT Center for Human Genetics Tuebingen
Classification: Uncertain significance. Last evaluated: 2026-08-01. Review status: criteria provided, single submitter. Criteria: CeGaT Center For Human Genetics Tuebingen Variant Classification Criteria Version 2. Collection method: clinical testing. Allele origin: germline. Affected: yes. Observed: 1 variant allele.
Comment: ZNF292: PM2:Supporting, BP4

NM_015021.3(ZNF292):c.6144A>T (p.Lys2048Asn)

Gene: ZNF292 (zinc finger protein 292; plus strand). Cytogenetic location: 6q14.3.
Variant type: single nucleotide variant.
Coding change: c.6144A>T on transcript NM_015021.3 (MANE Select); coding-DNA position 6144, A replaced by T.
Protein change: p.Lys2048Asn; replaces lysine 2048 with asparagine.
Molecular consequence: missense variant.
Genome position (GRCh38, 1-based): chr6:87,259,773, A>T. VCF-style: chr6-87259773-A-T. GRCh37 (hg19) VCF-style: chr6-87969491-A-T.
Other names: c.5724A>T, p.Lys1908Asn (NM_001351444.2); short protein forms K1908N, K2048N.
Identifiers: ClinVar variation 5039527 (VCV005039527.1).
Genomic context (GRCh38, chr6:87,259,773, plus strand): 5'-GACCCAAAATACCCACAGTAATGTAGCAGTGATCCCAGAAAAACAACTTGTAGAAAAAAA[A>T]AGTCCTGACAAAACAGAAAGTTCTTTACAAGTGATTACAGTTACTTCAGAACAATGTAAT-3'
Protein context (NP_055836.1, residues 2038-2058): VIPEKQLVEK[Lys2048Asn]SPDKTESSLQ